The following is an entry in ClinVar:

NM_001018113.3(FANCB):c.21G>C (p.Met7Ile)

Gene: FANCB (FA complementation group B; minus strand). Cytogenetic location: Xp22.2.
Variant type: single nucleotide variant.
Coding change: c.21G>C on transcript NM_001018113.3 (MANE Select); coding-DNA position 21, G replaced by C.
Protein change: p.Met7Ile; replaces methionine 7 with isoleucine.
Molecular consequence: missense variant. On other transcripts: non-coding transcript variant (1).
Genome position (GRCh38, 1-based): chrX:14,865,490, C>G on the plus strand (G>C on the coding strand, the complement: FANCB is on the minus strand). VCF-style: chrX-14865490-C-G. GRCh37 (hg19) VCF-style: chrX-14883612-C-G.
Other names: c.21G>C, p.Met7Ile (NM_001324162.2, NM_152633.4); short protein forms M7I.
Identifiers: ClinVar variation 1307115 (VCV001307115.2), dbSNP rs2147448237, ClinGen allele CA412445465.
Genomic context (GRCh38, chrX:14,865,490, plus strand): 5'-CAACTGGAAAACAAGGACTTCCCCATTATAACACAAGAGCCTTTCTTGTTCGTTAGATGA[C>G]ATTGCTTGTTTGCTAGTCATTCCACAATATCAAGTCTTTGTGCTGATCTAATTTTCAAAT-3'
Protein context (NP_001018123.1, residues 1-17): MTSKQA[Met7Ile]SSNEQERLLC

ClinVar aggregate classification (germline): Uncertain significance (1 of 4 stars; one submission).

Allele frequency attached by ClinVar (database versions not stated): gnomAD exomes 0.00004.
gnomAD v4.1: 38 of 1,200,417 alleles (0.0032%); highest among the groups gnomAD compares: Non-Finnish European, 0.0042%; no homozygotes.

Submission:

GeneDx
Classification: Uncertain significance. Last evaluated: 2019-07-19. Review status: criteria provided, single submitter. Criteria: GeneDx Variant Classification Process June 2021. Collection method: clinical testing. Allele origin: germline. Affected: yes.
Comment: Not observed in large population cohorts (Lek 2016); In silico analysis, which includes protein predictors and evolutionary conservation, supports a deleterious effect; Has not been previously published as pathogenic or benign to our knowledge